The following is an entry in ClinVar:

ClinVar aggregate classification (germline): Uncertain significance. Review status: criteria provided, multiple submitters, no conflicts (2 of 4 stars). 3 submissions from 3 submitters: Uncertain significance (3). Last evaluated 2025-10-21.

Conditions:
Hereditary cancer-predisposing syndrome. Also called: Tumor predisposition; Hereditary neoplastic syndrome; Neoplastic Syndromes, Hereditary; Hereditary Cancer Syndrome. Identifiers: Orphanet 140162, MedGen C0027672, MeSH D009386, MONDO:0015356.
Intellectual disability, autosomal dominant 16 (CSS4). Also called: COFFIN-SIRIS SYNDROME 4. Identifiers: Orphanet 1465, MedGen C3553249, MONDO:0013821, OMIM 614609.
Rhabdoid tumor predisposition syndrome 2 (RTPS2). Identifiers: Orphanet 231108, Orphanet 69077, MedGen C2750074, MONDO:0013224, OMIM 613325.

Allele frequency attached by ClinVar (database versions not stated): gnomAD exomes 0.00001 and 0.00002; TOPMed 0.00001; ExAC 0.00002; gnomAD 0.00004.

Submissions (3):

Labcorp Genetics (formerly Invitae), Labcorp
Classification: Uncertain significance for Rhabdoid tumor predisposition syndrome 2. Last evaluated: 2025-10-21. Review status: criteria provided, single submitter. Criteria: Invitae Variant Classification Sherloc (09022015). Collection method: clinical testing. Allele origin: germline.
Comment: This sequence change replaces proline, which is neutral and non-polar, with arginine, which is basic and polar, at codon 311 of the SMARCA4 protein (p.Pro311Arg). This variant is present in population databases (rs759754994, gnomAD 0.008%). This variant has not been reported in the literature in individuals affected with SMARCA4-related conditions. ClinVar contains an entry for this variant (Variation ID: 664876). Invitae Evidence Modeling of protein sequence and biophysical properties (such as structural, functional, and spatial information, amino acid conservation, physicochemical variation, residue mobility, and thermodynamic stability) indicates that this missense variant is not expected to disrupt SMARCA4 protein function with a negative predictive value of 80%. In summary, the available evidence is currently insufficient to determine the role of this variant in disease. Therefore, it has been classified as a Variant of Uncertain Significance.

Ambry Genetics
Classification: Uncertain significance for Hereditary cancer-predisposing syndrome. Last evaluated: 2024-08-05. Review status: criteria provided, single submitter. Criteria: Ambry Variant Classification Scheme 2023. Collection method: clinical testing. Allele origin: germline.
Comment: The p.P311R variant (also known as c.932C>G), located in coding exon 5 of the SMARCA4 gene, results from a C to G substitution at nucleotide position 932. The proline at codon 311 is replaced by arginine, an amino acid with dissimilar properties. This amino acid position is highly conserved in available vertebrate species. In addition, the in silico prediction for this alteration is inconclusive. Based on the available evidence, the clinical significance of this variant remains unclear.

Genome-Nilou Lab
Classification: Uncertain significance for Intellectual disability, autosomal dominant 16. Last evaluated: 2021-07-15. Review status: criteria provided, single submitter. Criteria: ACMG Guidelines, 2015. Collection method: clinical testing. Allele origin: germline. Affected: no.

NM_003072.5(SMARCA4):c.932C>G (p.Pro311Arg)

Gene: SMARCA4 (SWI/SNF related BAF chromatin remodeling complex subunit ATPase 4; plus strand). Cytogenetic location: 19p13.2.
Variant type: single nucleotide variant.
Coding change: c.932C>G on transcript NM_003072.5 (MANE Select); coding-DNA position 932, C replaced by G.
Protein change: p.Pro311Arg; replaces proline 311 with arginine.
Molecular consequence: missense variant. On other transcripts: non-coding transcript variant (1).
Genome position (GRCh38, 1-based): chr19:10,987,738, C>G. VCF-style: chr19-10987738-C-G. GRCh37 (hg19) VCF-style: chr19-11098414-C-G.
Other names: c.932C>G, p.Pro311Arg (NM_001128844.3, NM_001128845.2, NM_001128846.2 and 5 more transcripts); short protein forms P311R.
Identifiers: ClinVar variation 664876 (VCV000664876.16), dbSNP rs759754994, ClinGen allele CA9203633.
Genomic context (GRCh38, chr19:10,987,738, plus strand): 5'-ATGCTGCTGCCCCCACGAGCACCCCTCAGAAGCTGATTCCCCCGCAGCCAACGGGCCGCC[C>G]TTCCCCCGCGCCCCCTGCCGTCCCACCCGCCGCCTCGCCCGTGATGCCACCGCAGACCCA-3'
Protein context (NP_003063.2, residues 301-321): KLIPPQPTGR[Pro311Arg]SPAPPAVPPA